The following is an entry in ClinVar:

ClinVar aggregate classification (germline): Uncertain significance (1 of 4 stars; one submission).

Allele frequency attached by ClinVar (database versions not stated): gnomAD exomes below 0.00001 and 0.00004; TOPMed 0.00002; gnomAD 0.00003.
gnomAD v4.1: 67 of 1,612,456 alleles (0.0042%); highest among the groups gnomAD compares: Non-Finnish European, 0.0054%; no homozygotes.

Submission:

Labcorp Genetics (formerly Invitae), Labcorp
Classification: Uncertain significance. Last evaluated: 2025-07-28. Review status: criteria provided, single submitter. Criteria: Invitae Variant Classification Sherloc (09022015). Collection method: clinical testing. Allele origin: germline.
Comment: This sequence change replaces alanine, which is neutral and non-polar, with valine, which is neutral and non-polar, at codon 4405 of the HMCN1 protein (p.Ala4405Val). This variant is present in population databases (no rsID available, gnomAD 0.002%). This variant has not been reported in the literature in individuals affected with HMCN1-related conditions. ClinVar contains an entry for this variant (Variation ID: 1368862). An algorithm developed to predict the effect of missense changes on protein structure and function (PolyPhen-2) suggests that this variant is likely to be disruptive. In summary, the available evidence is currently insufficient to determine the role of this variant in disease. Therefore, it has been classified as a Variant of Uncertain Significance.

NM_031935.3(HMCN1):c.13214C>T (p.Ala4405Val)

Gene: HMCN1 (hemicentin 1; plus strand). Cytogenetic location: 1q31.1.
Variant type: single nucleotide variant.
Coding change: c.13214C>T on transcript NM_031935.3 (MANE Select); coding-DNA position 13214, C replaced by T.
Protein change: p.Ala4405Val; replaces alanine 4405 with valine.
Molecular consequence: missense variant.
Genome position (GRCh38, 1-based): chr1:186,130,681, C>T. VCF-style: chr1-186130681-C-T. GRCh37 (hg19) VCF-style: chr1-186099813-C-T.
Other names: short protein forms A4405V.
Identifiers: ClinVar variation 1368862 (VCV001368862.6), dbSNP rs1306049718, ClinGen allele CA343908658.